The following is an entry in ClinVar:

NM_177438.3(DICER1):c.4263_4274del (p.Asp1421_Glu1424del)

Gene: DICER1 (dicer 1, ribonuclease III; minus strand). Cytogenetic location: 14q32.13.
Variant type: Deletion.
Coding change: c.4263_4274del on transcript NM_177438.3 (MANE Select); coding-DNA positions 4263 to 4274, 12 bases deleted (TGAGGAGGAGGA).
Protein change: p.Asp1421_Glu1424del.
Molecular consequence: inframe deletion.
Genome position (GRCh38, 1-based): chr14:95,096,646-95,096,657, TCCTCCTCCTCA deleted on the plus strand (TGAGGAGGAGGA on the coding strand, the reverse complement: DICER1 is on the minus strand); deleting any 12 consecutive bases within chr14:95,096,646-95,096,668 gives the same sequence; the c. name uses the placement nearest the transcript's 3' end. VCF-style (leftmost placement, unchanged base first): chr14-95096645-CTCCTCCTCCTCA-C. GRCh37 (hg19) VCF-style: chr14-95562982-CTCCTCCTCCTCA-C.
Other names: c.4263_4274delTGAGGAGGAGGA (NM_177438.2); c.4263_4274del, p.Asp1421_Glu1424del (NM_001195573.1, NM_001271282.3, NM_001291628.2 and 1 more transcripts).
Identifiers: ClinVar variation 572936 (VCV000572936.10), dbSNP rs1566756845, ClinGen allele CA891843816.

ClinVar aggregate classification (germline): Uncertain significance. Review status: criteria provided, multiple submitters, no conflicts (2 of 4 stars). 2 submissions from 2 submitters: Uncertain significance (2). Last evaluated 2024-06-17.

Conditions:
Hereditary cancer-predisposing syndrome. Also called: Hereditary neoplastic syndrome; Neoplastic Syndromes, Hereditary; Hereditary Cancer Syndrome; Tumor predisposition. Identifiers: Orphanet 140162, MedGen C0027672, MeSH D009386, MONDO:0015356.
DICER1-related tumor predisposition. Also called: DICER1 syndrome; DICER1-related pleuropulmonary blastoma cancer predisposition syndrome. Identifiers: Orphanet 284343, MedGen C3839822, MONDO:0100216.

Submissions (2):

Ambry Genetics
Classification: Uncertain significance for Hereditary cancer-predisposing syndrome. Last evaluated: 2024-06-17. Review status: criteria provided, single submitter. Criteria: Ambry Variant Classification Scheme 2023. Collection method: clinical testing. Allele origin: germline.
Comment: The c.4263_4274del12 variant (also known as p.D1421_E1424del) is located in coding exon 22 of the DICER1 gene. This variant results from an in-frame deletion of 12 nucleotides (TGAGGAGGAGGA) at positions 4263 to 4274. This results in the in-frame deletion of four amino acids (DEEE) at codons 1421 to 1424. This amino acid region is not well conserved in available vertebrate species. In addition, this alteration is predicted to be neutral by in silico analysis (Choi Y et al. PLoS ONE. 2012; 7(10):e46688). Based on the available evidence, the clinical significance of this variant remains unclear.

Labcorp Genetics (formerly Invitae), Labcorp
Classification: Uncertain significance for DICER1-related tumor predisposition. Last evaluated: 2021-08-26. Review status: criteria provided, single submitter. Criteria: Invitae Variant Classification Sherloc (09022015). Collection method: clinical testing. Allele origin: germline.
Comment: This variant, c.4263_4274del, results in the deletion of 4 amino acid(s) of the DICER1 protein (p.Asp1421_Glu1424del), but otherwise preserves the integrity of the reading frame. This variant is not present in population databases (ExAC no frequency). This variant has not been reported in the literature in individuals affected with DICER1-related conditions. Experimental studies and prediction algorithms are not available or were not evaluated, and the functional significance of this variant is currently unknown. In summary, the available evidence is currently insufficient to determine the role of this variant in disease. Therefore, it has been classified as a Variant of Uncertain Significance.